The following is an entry in ClinVar:

NM_001378964.1(CDON):c.3185A>C (p.Asn1062Thr)

Gene: CDON (cell adhesion associated, oncogene regulated; minus strand). Cytogenetic location: 11q24.2.
Variant type: single nucleotide variant.
Coding change: c.3185A>C on transcript NM_001378964.1 (MANE Select); coding-DNA position 3185, A replaced by C.
Protein change: p.Asn1062Thr; replaces asparagine 1062 with threonine.
Molecular consequence: missense variant.
Genome position (GRCh38, 1-based): chr11:125,981,140, T>G on the plus strand (A>C on the coding strand, the complement: CDON is on the minus strand). VCF-style: chr11-125981140-T-G. GRCh37 (hg19) VCF-style: chr11-125851035-T-G.
Other names: c.3185A>C, p.Asn1062Thr (NM_001243597.3, NM_016952.6); short protein forms N1062T.
Identifiers: ClinVar variation 2636908 (VCV002636908.1), dbSNP rs1176933751, ClinGen allele CA383199551.

ClinVar aggregate classification (germline): Uncertain significance (1 of 4 stars; one submission).

Conditions:
CDON-related disorder. Also called: CDON-related condition.

Allele frequency attached by ClinVar (database versions not stated): gnomAD exomes below 0.00001; TOPMed 0.00002; gnomAD 0.00003.
gnomAD v4.1: 6 of 1,614,028 alleles (0.00037%); highest among the groups gnomAD compares: African/African-American, 0.0013%; no homozygotes.

Submission:

PreventionGenetics, part of Exact Sciences
Classification: Uncertain significance for CDON-related condition. Last evaluated: 2022-12-22. Review status: criteria provided, single submitter. Criteria: ACMG Guidelines, 2015. Collection method: clinical testing. Allele origin: germline.
Comment: The CDON c.3185A>C variant is predicted to result in the amino acid substitution p.Asn1062Thr. To our knowledge, this variant has not been reported in the literature. This variant is reported in 0.0065% of alleles in individuals of European (Non-Finnish) descent in gnomAD. At this time, the clinical significance of this variant is uncertain due to the absence of conclusive functional and genetic evidence.